The following is an entry in ClinVar:

NM_001384474.1(LOXHD1):c.2316C>T (p.Ile772=)

Gene: LOXHD1 (lipoxygenase homology PLAT domains 1; minus strand). Cytogenetic location: 18q21.1.
Variant type: single nucleotide variant.
Coding change: c.2316C>T on transcript NM_001384474.1 (MANE Select); coding-DNA position 2316, C replaced by T.
Protein change: p.Ile772=; no amino-acid change (isoleucine 772 retained).
Molecular consequence: synonymous variant.
Genome position (GRCh38, 1-based): chr18:46,566,378, G>A on the plus strand (C>T on the coding strand, the complement: LOXHD1 is on the minus strand). VCF-style: chr18-46566378-G-A. GRCh37 (hg19) VCF-style: chr18-44146341-G-A.
Other names: c.2316C>T, p.Ile772= (NM_144612.7).
Identifiers: ClinVar variation 227512 (VCV000227512.11), dbSNP rs876657493, ClinGen allele CA10577081.

ClinVar aggregate classification (germline): Likely benign. Review status: criteria provided, multiple submitters, no conflicts (2 of 4 stars). 2 submissions from 2 submitters: Likely benign (2). Last evaluated 2025-03-16.

Allele frequency attached by ClinVar (database versions not stated): gnomAD exomes 0.00001 and 0.00002; TOPMed 0.00001.
gnomAD v4.1: 3 of 1,551,672 alleles (0.00019%); highest among the groups gnomAD compares: Admixed American, 0.0059%; no homozygotes.

Submissions (2):

Labcorp Genetics (formerly Invitae), Labcorp
Classification: Likely benign. Last evaluated: 2025-03-16. Review status: criteria provided, single submitter. Criteria: Invitae Variant Classification Sherloc (09022015). Collection method: clinical testing. Allele origin: germline.

Laboratory for Molecular Medicine, Mass General Brigham Personalized Medicine
Classification: Likely benign. Last evaluated: 2015-10-10. Review status: criteria provided, single submitter. Criteria: LMM Criteria. Collection method: clinical testing. Allele origin: germline. Observed: 1 variant allele.
Comment: p.Ile772Ile in exon 17 of LOXHD1: This variant is not expected to have clinical significance because it does not alter an amino acid residue and is not located within the splice consensus sequence.